The following is an entry in ClinVar:

ClinVar aggregate classification (germline): Likely benign. Review status: criteria provided, multiple submitters, no conflicts (2 of 4 stars). 3 submissions from 3 submitters: Likely benign (3). Last evaluated 2025-12-20.

Conditions:
Desmin-related myofibrillar myopathy (MFM1). Also called: MYOFIBRILLAR MYOPATHY WITH ARRHYTHMOGENIC RIGHT VENTRICULAR CARDIOMYOPATHY; DESMIN-RELATED MYOPATHY WITH ARRHYTHMOGENIC RIGHT VENTRICULAR CARDIOMYOPATHY; Myofibrillar myopathy 1; Desminopathy; Desmin related myopathy (former name); Desmin storage myopathy (former name). Identifiers: Orphanet 363543, Orphanet 98909, MedGen C1832370, MONDO:0011076, OMIM 601419.
Cardiovascular phenotype. Identifiers: MedGen CN230736.

Allele frequency attached by ClinVar (database versions not stated): ExAC below 0.00001; TOPMed 0.00002; gnomAD 0.00009.

Submissions (3):

Labcorp Genetics (formerly Invitae), Labcorp
Classification: Likely benign for Desmin-related myofibrillar myopathy. Last evaluated: 2025-12-20. Review status: criteria provided, single submitter. Criteria: Invitae Variant Classification Sherloc (09022015). Collection method: clinical testing. Allele origin: germline.

Ambry Genetics
Classification: Likely benign for Cardiovascular phenotype. Last evaluated: 2021-02-03. Review status: criteria provided, single submitter. Criteria: Ambry Variant Classification Scheme 2023. Collection method: clinical testing. Allele origin: germline.

GeneDx
Classification: Likely benign. Last evaluated: 2017-11-16. Review status: criteria provided, single submitter. Criteria: GeneDx Variant Classification (06012015). Collection method: clinical testing. Allele origin: germline. Affected: yes.
Comment: This variant is considered likely benign or benign based on one or more of the following criteria: it is a conservative change, it occurs at a poorly conserved position in the protein, it is predicted to be benign by multiple in silico algorithms, and/or has population frequency not consistent with disease.

NM_001927.4(DES):c.540C>T (p.Arg180=)

Gene: DES (desmin; plus strand). Cytogenetic location: 2q35.
Variant type: single nucleotide variant.
Coding change: c.540C>T on transcript NM_001927.4 (MANE Select); coding-DNA position 540, C replaced by T.
Protein change: p.Arg180=; no amino-acid change (arginine 180 retained).
Molecular consequence: synonymous variant.
Genome position (GRCh38, 1-based): chr2:219,419,002, C>T. VCF-style: chr2-219419002-C-T. GRCh37 (hg19) VCF-style: chr2-220283724-C-T.
Other names: c.540C>T (LRG_380t1).
Identifiers: ClinVar variation 513384 (VCV000513384.14), dbSNP rs757644636, ClinGen allele CA2125078.
Genomic context (GRCh38, chr2:219,419,002, plus strand): 5'-GGAGCTGCGGCGCCAGGTGGAGGTGCTCACTAACCAGCGCGCGCGCGTCGACGTCGAGCG[C>T]GACAACCTGCTCGACGACCTGCAGCGGCTCAAGGCCAAGTGAGGGCCCGGCACCCCAGAC-3'
Protein context (NP_001918.3, residues 170-190): TNQRARVDVE[Arg180=]DNLLDDLQRL